The following is an entry in ClinVar:

ClinVar aggregate classification (germline): Uncertain significance (1 of 4 stars; one submission).

gnomAD v4.1: 4 of 1,210,227 alleles (0.00033%); highest among the groups gnomAD compares: Admixed American, 0.0022%; no homozygotes.

Submission:

GeneDx
Classification: Uncertain significance. Last evaluated: 2025-06-12. Review status: criteria provided, single submitter. Criteria: GeneDx Variant Classification Process June 2021. Collection method: clinical testing. Allele origin: germline. Affected: yes.
Comment: Not observed at significant frequency in large population cohorts (gnomAD); In silico analysis suggests that this missense variant does not alter protein structure/function; Has not been previously published as pathogenic or benign to our knowledge

NM_201599.3(ZMYM3):c.388G>T (p.Ala130Ser)

Gene: ZMYM3 (zinc finger MYM-type containing 3; minus strand). Cytogenetic location: Xq13.1.
Variant type: single nucleotide variant.
Coding change: c.388G>T on transcript NM_201599.3 (MANE Select); coding-DNA position 388, G replaced by T.
Protein change: p.Ala130Ser; replaces alanine 130 with serine.
Molecular consequence: missense variant.
Genome position (GRCh38, 1-based): chrX:71,252,868, C>A on the plus strand (G>T on the coding strand, the complement: ZMYM3 is on the minus strand). VCF-style: chrX-71252868-C-A. GRCh37 (hg19) VCF-style: chrX-70472718-C-A.
Other names: c.388G>T, p.Ala130Ser (NM_001171162.1, NM_001171163.1, NM_005096.3); short protein forms A130S.
Identifiers: ClinVar variation 4537668 (VCV004537668.1).